The following is an entry in ClinVar:

NM_000128.4(F11):c.1026G>T (p.Gly342=)

Gene: F11 (coagulation factor XI; plus strand). Cytogenetic location: 4q35.2.
Variant type: single nucleotide variant.
Coding change: c.1026G>T on transcript NM_000128.4 (MANE Select); coding-DNA position 1026, G replaced by T.
Protein change: p.Gly342=; no amino-acid change (glycine 342 retained).
Molecular consequence: synonymous variant.
Genome position (GRCh38, 1-based): chr4:186,280,383, G>T. VCF-style: chr4-186280383-G-T. GRCh37 (hg19) VCF-style: chr4-187201537-G-T.
Other names: c.1026G>T (NM_000128.3).
Identifiers: ClinVar variation 1458941 (VCV001458941.11), dbSNP rs768894507, ClinGen allele CA3163838.

ClinVar aggregate classification (germline): Pathogenic/Likely pathogenic. Review status: criteria provided, multiple submitters, no conflicts (2 of 4 stars). 3 submissions from 3 submitters: Pathogenic (2); Likely pathogenic (1). Last evaluated 2026-01-21.

Conditions:
Plasma factor XI deficiency.
Hereditary factor XI deficiency disease. Also called: Congenital factor XI deficiency; PLASMA THROMBOPLASTIN ANTECEDENT DEFICIENCY; PTA DEFICIENCY; ROSENTHAL SYNDROME. Identifiers: Orphanet 329, MedGen C0015523, MeSH D005173, MONDO:0012897, OMIM 612416.

Allele frequency attached by ClinVar (database versions not stated): gnomAD exomes below 0.00001; ExAC 0.00001; gnomAD 0.00001; TOPMed 0.00003.
gnomAD v4.1: 4 of 1,614,104 alleles (0.00025%); highest among the groups gnomAD compares: Admixed American, 0.0017%; no homozygotes.

Submissions (3):

Natera, Inc.
Classification: Likely pathogenic for Plasma factor XI deficiency. Last evaluated: 2026-01-21. Review status: criteria provided, single submitter. Criteria: Natera Variant Classification Schema (03/2026). Collection method: clinical testing. Allele origin: germline.
Comment: The c.1026G>T variant in F11 is a synonymous variant that does not alter the encoded amino acid at position 342 (p.G342=). This variant is rare in the general population with a frequency below the threshold expected for the associated phenotype(s). This variant has been observed in one or more individuals affected with the associated recessive disease, as either homozygous or compound heterozygous with a second variant (PMID: 18024374). Functional studies show that this variant may disrupt protein function (PMID: 11127865). Computational prediction algorithms indicate this variant is likely to affect gene or protein function. Given the available evidence, this variant is classified as Likely Pathogenic.

Women's Health and Genetics/Laboratory Corporation of America, LabCorp
Classification: Pathogenic for Hereditary factor XI deficiency disease. Last evaluated: 2024-03-12. Review status: criteria provided, single submitter. Criteria: LabCorp Variant Classification Summary - May 2015. Collection method: clinical testing. Allele origin: germline.
Comment: Variant summary: F11 c.1026G>T (p.Gly342Gly) alters a non-conserved nucleotide located close to a canonical splice site and therefore could affect mRNA splicing, leading to a significantly altered protein sequence. Several computational tools predict a significant impact on normal splicing: two predict the variant weakens a 5' donor site, while four predict the variant creates a 5' donor site, 4 nucleotides upstream from the original site. At least one publication reported experimental evidence demonstrating that this variant affects mRNA splicing by creating a donor GT dinucleotide 4 nucleotides upstream from the normal splice site, which is predicted to result in a frameshift alteration with a premature stop codon at the protein level (Ventura_2000). The variant allele was found at a frequency of 4e-06 in 251462 control chromosomes (gnomAD). c.1026G>T has been reported in the literature in compound heterozygous individuals affected with Hereditary factor XI deficiency disease (Ventura_2000, Zucker_2007), including a family where the variant segregated with the disease. These data indicate that the variant is likely associated with disease. The following publications have been ascertained in the context of this evaluation (PMID: 11127865, 18024374). ClinVar contains an entry for this variant (Variation ID: 1458941). Based on the evidence outlined above, the variant was classified as pathogenic.

Labcorp Genetics (formerly Invitae), Labcorp
Classification: Pathogenic. Last evaluated: 2023-08-16. Review status: criteria provided, single submitter. Criteria: Invitae Variant Classification Sherloc (09022015). Collection method: clinical testing. Allele origin: germline.
Comment: For these reasons, this variant has been classified as Pathogenic. Studies have shown that this variant results in utilization of a new donor site and introduces a premature termination codon (PMID: 11127865). The resulting mRNA is expected to undergo nonsense-mediated decay. This sequence change affects codon 342 of the F11 mRNA. It is a 'silent' change, meaning that it does not change the encoded amino acid sequence of the F11 protein. RNA analysis indicates that this variant induces altered splicing and may result in an absent or disrupted protein product. This variant is present in population databases (rs768894507, gnomAD 0.0009%). This variant has been observed in individual(s) with autosomal recessive factor XI deficiency (PMID: 11127865, 18024374). In at least one individual the data is consistent with being in trans (on the opposite chromosome) from a pathogenic variant. It has also been observed to segregate with disease in related individuals. ClinVar contains an entry for this variant (Variation ID: 1458941).

Literature cited by the submitters: PubMed 18024374 (cited by 3 submitters); PubMed 11127865 (cited by 3 submitters).